The following is an entry in ClinVar:

ClinVar aggregate classification (germline): Pathogenic/Likely pathogenic. Review status: criteria provided, multiple submitters, no conflicts (2 of 4 stars). 4 submissions from 4 submitters: Pathogenic (2); Likely pathogenic (1). 1 of the submissions does not count toward it. Last evaluated 2023-04-24.

Conditions:
DSP-related disorder. Also called: DSP-related condition; DSP-related disorders.
Cardiomyopathy, dilated, with wooly hair, keratoderma, and tooth agenesis. Also called: Cardiomyopathy, dilated, with woolly hair, keratoderma, and tooth agenesis; Erythrokeratodermia-cardiomyopathy syndrome. Identifiers: Orphanet 476096, Orphanet 65282, MedGen C4014393, MONDO:0014355, OMIM 615821.
Arrhythmogenic cardiomyopathy with wooly hair and keratoderma. Also called: PALMOPLANTAR KERATODERMA WITH LEFT VENTRICULAR CARDIOMYOPATHY AND WOOLLY HAIR; Arrhythmogenic cardiomyopathy with woolly hair and keratoderma; Dilated cardiomyopathy with woolly hair and keratoderma; Carvajal syndrome. Identifiers: Orphanet 65282, MedGen C1854063, MONDO:0011581, OMIM 605676.
Arrhythmogenic right ventricular dysplasia 8 (ARVD8). Also called: Arrhythmogenic Right Ventricular Dysplasia/Cardiomyopathy 8; ARRHYTHMOGENIC RIGHT VENTRICULAR DYSPLASIA, FAMILIAL, 8; ARRHYTHMOGENIC RIGHT VENTRICULAR CARDIOMYOPATHY 8. Identifiers: MedGen C1843896, MONDO:0011831, OMIM 607450.
Primary dilated cardiomyopathy (DCM). Also called: Dilated Cardiomyopathy. Identifiers: Orphanet 217604, MedGen C0007193, MeSH D002311, MONDO:0005021, HP:0001644. Inheritance: Various modes of inheritance.

Submissions (4):

Labcorp Genetics (formerly Invitae), Labcorp
Classification: Pathogenic for Arrhythmogenic cardiomyopathy with wooly hair and keratoderma; Arrhythmogenic right ventricular dysplasia 8. Last evaluated: 2023-04-24. Review status: criteria provided, single submitter. Criteria: Invitae Variant Classification Sherloc (09022015). Collection method: clinical testing. Allele origin: germline.
Comment: For these reasons, this variant has been classified as Pathogenic. ClinVar contains an entry for this variant (Variation ID: 44885). This premature translational stop signal has been observed in individual(s) with dilated cardiomyopathy (PMID: 24503780, 27532257). This variant is not present in population databases (gnomAD no frequency). This sequence change creates a premature translational stop signal (p.Ile950Asnfs*3) in the DSP gene. It is expected to result in an absent or disrupted protein product. Loss-of-function variants in DSP are known to be pathogenic (PMID: 20716751, 24503780, 25227139).

Blueprint Genetics
Classification: Pathogenic for DSP-related disorders. Last evaluated: 2023-04-19. Review status: criteria provided, single submitter. Criteria: ACMG Guidelines, 2015. Collection method: clinical testing. Allele origin: germline. Affected: yes. Observed: 1 variant allele.

Laboratory for Molecular Medicine, Mass General Brigham Personalized Medicine
Classification: Likely pathogenic for Primary dilated cardiomyopathy. Last evaluated: 2012-05-25. Review status: criteria provided, single submitter. Criteria: LMM Criteria. Collection method: clinical testing. Allele origin: germline. Observed: 1 variant allele.
Comment: The Ile950fs variant in DSP has not been reported in the literature nor previous ly identified by our laboratory. This frameshift variant is predicted to alter t he protein?s amino acid sequence beginning at position 950 and lead to a prematu re termination codon 3 amino acids downstream. This alteration is then predicted to lead to a truncated or absent protein. Frameshift and nonsense variants in D SP have been reported in patients with ARVC, but rec ent evidence supports that they can also cause DCM (Elliott 2010, Garcia-Pavia 2 011). In summary, this variant is likely to be pathogenic, though segregation st udies and functional analyses are required to fully establish its pathogenicity.

KTest Genetics, KTest
Classification: Pathogenic for Cardiomyopathy, dilated, with wooly hair, keratoderma, and tooth agenesis. Review status: no assertion criteria provided. Criteria: ACMG Guidelines, 2015. Collection method: clinical testing. Allele origin: germline. Affected: yes. Not counted in ClinVar's aggregate classification.

Literature cited by the submitters: PubMed 24503780 (cited by Labcorp Genetics (formerly Invitae), Labcorp); PubMed 27532257 (cited by Labcorp Genetics (formerly Invitae), Labcorp); PubMed 20716751 (cited by Labcorp Genetics (formerly Invitae), Labcorp); PubMed 25227139 (cited by Labcorp Genetics (formerly Invitae), Labcorp).

NM_004415.4(DSP):c.2848dup (p.Ile950fs)

Gene: DSP (desmoplakin; plus strand). Cytogenetic location: 6p24.3.
Variant type: Duplication.
Coding change: c.2848dup on transcript NM_004415.4 (MANE Select); coding-DNA position 2848, one base duplicated (A; older notation c.2848dupA).
Protein change: p.Ile950fs; shifts the reading frame from isoleucine 950.
Genome position (GRCh38, 1-based): chr6:7,577,013, A duplicated; the last of 6 consecutive A bases (chr6:7,577,008-7,577,013); duplicating any one gives the same sequence. VCF-style (leftmost placement, unchanged base first): chr6-7577007-C-CA. GRCh37 (hg19) VCF-style: chr6-7577240-C-CA.
Other names: NM_004415.2:c.2848dupA; p.Ile950AsnfsX3; c.2848dup, p.Ile950fs (NM_001008844.3, NM_001319034.2); short protein forms I950fs.
Identifiers: ClinVar variation 44885 (VCV000044885.16), dbSNP rs397516927, ClinGen allele CA005644.
Genomic context (GRCh38, chr6:7,577,007, plus strand): 5'-CTTTTTGTATAGAACTTGCACAGTGAAATATCTGGCAAACGAGACAAATCAGAGGAAGTA[C>CA]AAAAAATTGCTGAACTTTGCGCCAATTCAATTAAGGTATGTTGGTTTCATAAAGAATGTT-3'